The following is an entry in ClinVar:

NM_015072.5(TTLL5):c.2597_2598insC (p.Leu866fs)

Gene: TTLL5 (tubulin tyrosine ligase like 5; plus strand). Cytogenetic location: 14q24.3.
Variant type: Insertion.
Coding change: c.2597_2598insC on transcript NM_015072.5 (MANE Select); coding-DNA positions 2597 to 2598, C inserted.
Protein change: p.Leu866fs; shifts the reading frame from leucine 866.
Molecular consequence: frameshift variant.
Genome position: GRCh38 VCF-style: chr14-75782568-T-TC. GRCh37 (hg19) VCF-style: chr14-76248911-T-TC.
Other names: short protein forms L866fs.
Identifiers: ClinVar variation 4880604 (VCV004880604.2).

ClinVar aggregate classification (germline): Likely pathogenic (1 of 4 stars; one submission).

Conditions:
Cone-rod dystrophy 19 (CORD19). Identifiers: Orphanet 1872, MedGen C4014501, MONDO:0014372, OMIM 615860.

Submission:

Dasa
Classification: Likely pathogenic for Cone-rod dystrophy 19. Last evaluated: 2026-02-12. Review status: criteria provided, single submitter. Criteria: DASA Assertion Criteria. Collection method: clinical testing. Allele origin: germline.
Comment: NM_015072.5(TTLL5):c.2597_2598insC (p.Leu866Phefs*17) is a frameshift variant in TTLL5 predicted to alter the reading frame and introduce a premature termination codon and is predicted to result in an absent or altered protein product. Loss of function is an established disease mechanism for TTLL5-associated disorders. Also, this variant is rare in population databases. Based on the currently available evidence, this variant is classified as likely pathogenic.